The following is an entry in ClinVar:

ClinVar aggregate classification (germline): Uncertain significance (1 of 4 stars; one submission).

Submission:

CeGaT Center for Human Genetics Tuebingen
Classification: Uncertain significance. Last evaluated: 2025-09-01. Review status: criteria provided, single submitter. Criteria: CeGaT Center For Human Genetics Tuebingen Variant Classification Criteria Version 2. Collection method: clinical testing. Allele origin: germline. Affected: yes. Observed: 1 variant allele.
Comment: ZFHX4: PM2, BP4

NM_024721.5(ZFHX4):c.3530A>G (p.Lys1177Arg)

Gene: ZFHX4 (zinc finger homeobox 4; plus strand). Cytogenetic location: 8q21.13.
Variant type: single nucleotide variant.
Coding change: c.3530A>G on transcript NM_024721.5 (MANE Select); coding-DNA position 3530, A replaced by G.
Protein change: p.Lys1177Arg; replaces lysine 1177 with arginine.
Molecular consequence: missense variant.
Genome position (GRCh38, 1-based): chr8:76,849,013, A>G. VCF-style: chr8-76849013-A-G. GRCh37 (hg19) VCF-style: chr8-77761249-A-G.
Other names: c.3452A>G, p.Lys1151Arg (NM_001410934.1); short protein forms K1151R, K1177R.
Identifiers: ClinVar variation 4085953 (VCV004085953.8).